The following is an entry in ClinVar:

ClinVar aggregate classification (germline): Uncertain significance (1 of 4 stars; one submission).

Submission:

GeneDx
Classification: Uncertain significance. Last evaluated: 2023-05-03. Review status: criteria provided, single submitter. Criteria: GeneDx Variant Classification Process June 2021. Collection method: clinical testing. Allele origin: germline. Affected: yes.
Comment: Not observed at significant frequency in large population cohorts (gnomAD); In silico analysis supports that this missense variant does not alter protein structure/function; Has not been previously published as pathogenic or benign to our knowledge

NM_016604.4(KDM3B):c.1652C>A (p.Ser551Tyr)

Gene: KDM3B (lysine demethylase 3B; plus strand). Cytogenetic location: 5q31.2.
Variant type: single nucleotide variant.
Coding change: c.1652C>A on transcript NM_016604.4 (MANE Select); coding-DNA position 1652, C replaced by A.
Protein change: p.Ser551Tyr; replaces serine 551 with tyrosine.
Molecular consequence: missense variant.
Genome position (GRCh38, 1-based): chr5:138,391,284, C>A. VCF-style: chr5-138391284-C-A. GRCh37 (hg19) VCF-style: chr5-137726973-C-A.
Other names: short protein forms S551Y.
Identifiers: ClinVar variation 2662046 (VCV002662046.1), dbSNP rs2480207544, ClinGen allele CA361106557.